The following is an entry in ClinVar:

ClinVar aggregate classification (germline): Pathogenic. Review status: criteria provided, multiple submitters, no conflicts (2 of 4 stars). 16 submissions from 16 submitters: Pathogenic (11). 5 of the submissions do not count toward it. Last evaluated 2026-04-07.

Conditions:
PALB2-related disorder. Also called: PALB2-related disorders; PALB2-related condition.
Breast-ovarian cancer, familial, susceptibility to, 5 (BROVCA5). Identifiers: MedGen C5830615, MONDO:0957530, OMIM 620442.
Gastric cancer. Also called: Stomach cancer; Malignant tumor of stomach. Identifiers: MedGen C0024623, MeSH D013274, MONDO:0001056, OMIM 613659, HP:0012126.
Hereditary cancer-predisposing syndrome. Also called: Tumor predisposition; Hereditary neoplastic syndrome; Hereditary Cancer Syndrome; Neoplastic Syndromes, Hereditary. Identifiers: Orphanet 140162, MedGen C0027672, MeSH D009386, MONDO:0015356.
Familial cancer of breast. Also called: Hereditary breast cancer; hereditary breast carcinoma; BREAST CANCER, FAMILIAL. Identifiers: Orphanet 227535, MedGen C0346153, MONDO:0016419, OMIM 114480. Disease mechanism: loss of function.
Malignant tumor of breast. Also called: Cancer breast; Malignant breast neoplasm. Identifiers: MedGen C0006142, MONDO:0007254. Disease mechanism: loss of function.

Allele frequency attached by ClinVar (database versions not stated): gnomAD exomes below 0.00001; ExAC 0.00001; gnomAD 0.00001; TOPMed 0.00001.
gnomAD v4.1: 3 of 1,614,056 alleles (0.00019%); highest among the groups gnomAD compares: South Asian, 0.0022%; no homozygotes.

Submissions (16):

Ambry Genetics
Classification: Pathogenic for Hereditary cancer-predisposing syndrome. Last evaluated: 2026-04-07. Review status: criteria provided, single submitter. Criteria: Ambry Variant Classification Scheme 2023. Collection method: clinical testing. Allele origin: germline.
Comment: The c.1633G>T (p.E545*) alteration, located in exon 4 (coding exon 4) of the PALB2 gene, consists of a G to T substitution at nucleotide position 1633. This changes the amino acid from a glutamic acid (E) to a stop codon at amino acid position 545. This variant is expected to result in loss of function by premature protein truncation or nonsense-mediated mRNA decay. Based on data from gnomAD, this allele has an overall frequency of <0.001% (1/251444) total alleles studied. The highest observed frequency was 0.003% (1/30616) of South Asian alleles. This variant was reported in multiple individuals diagnosed with breast cancer (Bogdanova, 2011; Fernandes, 2014). Additionally, this variant was identified in a cohort of 80 Portuguese individuals with a family history of breast and/or ovarian cancer who underwent multi-gene panel testing after testing negative for the BRCA1 and BRCA2 Portuguese founder mutations (Pinto, 2016). Based on the available evidence, this alteration is classified as pathogenic.

Dasa
Classification: Pathogenic for Breast-ovarian cancer, familial, susceptibility to, 5. Last evaluated: 2026-04-03. Review status: criteria provided, single submitter. Criteria: DASA Assertion Criteria. Collection method: clinical testing. Allele origin: germline.
Comment: NM_024675.4(PALB2):c.1633G>T (p.Glu545*) introduces a premature termination codon predicted to result in loss of normal protein function. Loss-of-function is an established mechanism of disease for this gene. This variant has been recurrently observed in individuals with Breast-ovarian cancer, familial, susceptibility to, 5 (PMID: 24870022; PMID: 24763289; PMID: 21165770; PMID: 24415441; PMID: 23935381). The variant is present at low frequency in population datasets. Based on the available data, this variant is classified as pathogenic.

Labcorp Genetics (formerly Invitae), Labcorp
Classification: Pathogenic for Familial cancer of breast. Last evaluated: 2025-10-14. Review status: criteria provided, single submitter. Criteria: Invitae Variant Classification Sherloc (09022015). Collection method: clinical testing. Allele origin: germline.
Comment: This sequence change creates a premature translational stop signal (p.Glu545*) in the PALB2 gene. It is expected to result in an absent or disrupted protein product. Loss-of-function variants in PALB2 are known to be pathogenic (PMID: 17200668, 17200671, 17200672, 24136930, 25099575). This variant is present in population databases (rs180177103, gnomAD 0.003%). This premature translational stop signal has been observed in individual(s) with breast cancer (PMID: 21165770, 24415441). ClinVar contains an entry for this variant (Variation ID: 126611). RNA analysis performed to evaluate the impact of this premature translational stop signal on mRNA splicing indicates it does not significantly alter splicing (internal data). For these reasons, this variant has been classified as Pathogenic.

Department of Clinical Genetics, Copenhagen University Hospital, Rigshospitalet
Classification: Pathogenic for Hereditary cancer-predisposing syndrome. Last evaluated: 2025-02-04. Review status: criteria provided, single submitter. Criteria: ACMG Guidelines, 2015. Collection method: clinical testing. Allele origin: germline.
Comment: PVS1; PM2_SUP, PM5_SUP

GeneDx
Classification: Pathogenic. Last evaluated: 2024-08-14. Review status: criteria provided, single submitter. Criteria: GeneDx Variant Classification Process June 2021. Collection method: clinical testing. Allele origin: germline. Affected: yes.
Comment: Nonsense variant predicted to result in protein truncation or nonsense mediated decay in a gene for which loss of function is a known mechanism of disease; Observed in the heterozygous state in individuals with a personal and/or family history of breast and/or pancreatic cancer (PMID: 21165770, 24415441, 27553368, 32885271); Not observed at significant frequency in large population cohorts (gnomAD); Truncating variants in this gene are considered pathogenic by a well-established clinical consortium and/or database; This variant is associated with the following publications: (PMID: 21165770, 24415441, 24870022, 27553368, 22692731, 23935381, 24763289, 25525159, 28152038, 34567246, 35534704, 36243179, 36988593, 29922827, 32885271)

Baylor Genetics
Classification: Pathogenic for Familial cancer of breast. Last evaluated: 2024-01-15. Review status: criteria provided, single submitter. Criteria: ACMG Guidelines, 2015. Collection method: clinical testing. Allele origin: unknown.

Myriad Genetics, Inc.
Classification: Pathogenic for Familial cancer of breast. Last evaluated: 2023-04-03. Review status: criteria provided, single submitter. Criteria: Myriad Autosomal Dominant, Autosomal Recessive and X-Linked Classification Criteria (2023). Collection method: clinical testing. Allele origin: unknown.
Comment: This variant is considered pathogenic. This variant creates a termination codon and is predicted to result in premature protein truncation.

Color Diagnostics, LLC DBA Color Health
Classification: Pathogenic for Hereditary cancer-predisposing syndrome. Last evaluated: 2022-12-22. Review status: criteria provided, single submitter. Criteria: ACMG Guidelines, 2015. Collection method: clinical testing. Allele origin: germline.
Comment: This variant changes 1 nucleotide in exon 4 of the PALB2 gene, creating a premature translation stop signal. This variant is expected to result in an absent or non-functional protein product. This variant has been reported in at least four individuals affected with breast cancer (PMID: 21165770, 24415441, 27553368, 33471991; Leiden Open Variation Database DB-ID PALB2_010079). This variant has been identified in 1/251444 chromosomes in the general population by the Genome Aggregation Database (gnomAD). Loss of PALB2 function is a known mechanism of disease. Based on the available evidence, this variant is classified as Pathogenic.

Clinical Genetics and Genomics, Karolinska University Hospital
Classification: Pathogenic. Last evaluated: 2020-03-21. Review status: criteria provided, single submitter. Criteria: ACMG Guidelines, 2015. Collection method: clinical testing. Allele origin: germline. Affected: yes. Observed: 1 variant allele.

Quest Diagnostics Nichols Institute San Juan Capistrano
Classification: Pathogenic. Last evaluated: 2016-11-12. Review status: criteria provided, single submitter. Criteria: Quest Diagnostics criteria. Collection method: clinical testing. Allele origin: germline.

Genesis Genomics
Classification: Pathogenic for Breast-ovarian cancer, familial, susceptibility to, 5. Review status: criteria provided, single submitter. Criteria: ACMG Guidelines, 2015. Collection method: clinical testing. Allele origin: germline. Affected: yes. Observed: 1 variant allele.

PreventionGenetics, part of Exact Sciences
Classification: Pathogenic for PALB2-related condition. Last evaluated: 2023-11-13. Review status: no assertion criteria provided. Collection method: clinical testing. Allele origin: germline. Not counted in ClinVar's aggregate classification.
Comment: The PALB2 c.1633G>T variant is predicted to result in premature protein termination (p.Glu545*). This variant has been reported to be causative for breast cancer (Fernandes et al. 2014. PubMed ID: 24415441). This variant has also been reported in an individual with bilateral invasive ductal carcinoma with estrogen and progesterone receptor negative tumors (Bogdanova et al. 2011. PubMed ID: 21165770). This variant is reported in 0.0033% of alleles in individuals of South Asian descent in gnomAD. This variant has been reported in the ClinVar database as pathogenic. Nonsense variants in PALB2 are expected to be pathogenic. This variant is interpreted as pathogenic.

Laboratory for Genotyping Development, RIKEN
Classification: Pathogenic for Gastric cancer. Last evaluated: 2021-07-01. Review status: no assertion criteria provided. Collection method: research. Allele origin: germline. Not counted in ClinVar's aggregate classification.

Leiden Open Variation Database
Classification: Pathogenic for Familial cancer of breast. Last evaluated: 2019-12-04. Review status: no assertion criteria provided. Collection method: curation. Allele origin: germline. Affected: no. Not counted in ClinVar's aggregate classification.
Comment: Curators: Marc Tischkowitz, Arleen D. Auerbach. Submitters to LOVD: Andreas Laner, Marc Tischkowitz.

Counsyl
Classification: Pathogenic for Familial cancer of breast. Last evaluated: 2016-10-04. Review status: no assertion criteria provided. Collection method: clinical testing. Allele origin: unknown. Not counted in ClinVar's aggregate classification.

Department of Pathology and Laboratory Medicine, Sinai Health System
Classification: Pathogenic for Malignant tumor of breast. Review status: no assertion criteria provided. Collection method: clinical testing. Allele origin: unknown. Affected: yes. Study: The Canadian Open Genetics Repository (COGR). Not counted in ClinVar's aggregate classification.
Comment: The PALB2 p.Glu545X variant was identified in 3 of 3364 proband chromosomes (frequency: 0.001) from individuals or families with breast cancer (Bogdanova 2011, Fernandes 2014). The variant was also identified in dbSNP (ID: rs180177103) as With Pathogenic allele, ClinVar (classified as pathogenic by Ambry Genetics, GeneDx, Counsyl, Invitae), LOVD 3.0, Zhejiang Colon Cancer Database, databases. The variant was identified in control databases in 1 of 246250 chromosomes at a frequency of 0.000004 (Genome Aggregation Consortium Feb 27, 2017). The p.Glu545X variant leads to a premature stop codon at position 545, which is predicted to lead to a truncated or absent protein and loss of function. Loss of function variants of the PALB2 gene are an established mechanism of disease in breast cancer and is the type of variant expected to cause the disorder. In summary, based on the above information, this variant meets our laboratoryâ€šÃ„Ã´s criteria to be classified as pathogenic.

Literature cited by the submitters: PubMed 21165770 (cited by 7 submitters); PubMed 24415441 (cited by 7 submitters); PubMed 27553368 (cited by 4 submitters); PubMed 24870022 (cited by Dasa); PubMed 24763289 (cited by Dasa and Quest Diagnostics Nichols Institute San Juan Capistrano); PubMed 23935381 (cited by Dasa and Quest Diagnostics Nichols Institute San Juan Capistrano); PubMed 17200668 (cited by Labcorp Genetics (formerly Invitae), Labcorp); PubMed 17200671 (cited by Labcorp Genetics (formerly Invitae), Labcorp); PubMed 17200672 (cited by Labcorp Genetics (formerly Invitae), Labcorp); PubMed 24136930 (cited by Labcorp Genetics (formerly Invitae), Labcorp); PubMed 25099575 (cited by Labcorp Genetics (formerly Invitae), Labcorp); PubMed 33471991 (cited by Color Diagnostics, LLC DBA Color Health); PubMed 36988593 (cited by Laboratory for Genotyping Development, RIKEN).

NM_024675.4(PALB2):c.1633G>T (p.Glu545Ter)

Gene: PALB2 (partner and localizer of BRCA2; minus strand). Cytogenetic location: 16p12.2.
Variant type: single nucleotide variant.
Coding change: c.1633G>T on transcript NM_024675.4 (MANE Select); coding-DNA position 1633, G replaced by T.
Protein change: p.Glu545Ter; replaces glutamic acid 545 with a stop codon.
Molecular consequence: nonsense.
Genome position (GRCh38, 1-based): chr16:23,634,913, C>A on the plus strand (G>T on the coding strand, the complement: PALB2 is on the minus strand). VCF-style: chr16-23634913-C-A. GRCh37 (hg19) VCF-style: chr16-23646234-C-A.
Other names: short protein forms E545*.
Identifiers: ClinVar variation 126611 (VCV000126611.56), dbSNP rs180177103, ClinGen allele CA167823.
Genomic context (GRCh38, chr16:23,634,913, plus strand): 5'-TTGATTTACCTTTCACTTGAATAAATAATTTTTCGTGCTGATATTTGTGTGAGGTGACTT[C>A]TTCCTTGGACCTGTTAACAATCGACAGGCTAGAAGTTGGCAAAAGTGGTTCACAATGATC-3'